The following is an entry in ClinVar:

ClinVar aggregate classification (germline): Uncertain significance (1 of 4 stars; one submission).

gnomAD v4.1: 4 of 1,467,082 alleles (0.00027%); highest among the groups gnomAD compares: Admixed American, 0.011%; no homozygotes.

Submission:

Labcorp Genetics (formerly Invitae), Labcorp
Classification: Uncertain significance. Last evaluated: 2024-03-17. Review status: criteria provided, single submitter. Criteria: Invitae Variant Classification Sherloc (09022015). Collection method: clinical testing. Allele origin: germline.
Comment: This sequence change replaces threonine, which is neutral and polar, with alanine, which is neutral and non-polar, at codon 825 of the LRRCC1 protein (p.Thr825Ala). This variant is present in population databases (rs762522334, gnomAD 0.02%). This variant has not been reported in the literature in individuals affected with LRRCC1-related conditions. An algorithm developed to predict the effect of missense changes on protein structure and function (PolyPhen-2) suggests that this variant is likely to be disruptive. In summary, the available evidence is currently insufficient to determine the role of this variant in disease. Therefore, it has been classified as a Variant of Uncertain Significance.

NM_033402.5(LRRCC1):c.2473A>G (p.Thr825Ala)

Gene: LRRCC1 (leucine rich repeat and coiled-coil centrosomal protein 1; plus strand). Cytogenetic location: 8q21.2.
Variant type: single nucleotide variant.
Coding change: c.2473A>G on transcript NM_033402.5 (MANE Select); coding-DNA position 2473, A replaced by G.
Protein change: p.Thr825Ala; replaces threonine 825 with alanine.
Molecular consequence: missense variant.
Genome position (GRCh38, 1-based): chr8:85,137,607, A>G. VCF-style: chr8-85137607-A-G. GRCh37 (hg19) VCF-style: chr8-86049842-A-G.
Other names: c.2194A>G, p.Thr732Ala (NM_001349636.2); c.2047A>G, p.Thr683Ala (NM_001349637.2); c.1576A>G, p.Thr526Ala (NM_001349638.2); c.1336A>G, p.Thr446Ala (NM_001349639.2); short protein forms T683A, T825A, T732A, T446A, T526A.
Identifiers: ClinVar variation 3682901 (VCV003682901.2).